The following is an entry in ClinVar:

NM_000176.3(NR3C1):c.665A>T (p.Asn222Ile)

Gene: NR3C1 (nuclear receptor subfamily 3 group C member 1; minus strand). Cytogenetic location: 5q31.3.
Variant type: single nucleotide variant.
Coding change: c.665A>T on transcript NM_000176.3 (MANE Select); coding-DNA position 665, A replaced by T.
Protein change: p.Asn222Ile; replaces asparagine 222 with isoleucine.
Molecular consequence: missense variant. On other transcripts: 5 prime UTR variant (3).
Genome position (GRCh38, 1-based): chr5:143,400,175, T>A on the plus strand (A>T on the coding strand, the complement: NR3C1 is on the minus strand). VCF-style: chr5-143400175-T-A. GRCh37 (hg19) VCF-style: chr5-142779740-T-A.
Other names: c.665A>T, p.Asn222Ile (NM_001018074.1, NM_001018075.1, NM_001018076.2 and 10 more transcripts); c.587A>T, p.Asn196Ile (NM_001204258.2); c.410A>T, p.Asn137Ile (NM_001204259.2); c.398A>T, p.Asn133Ile (NM_001204260.2); c.374A>T, p.Asn125Ile (NM_001204261.2); c.-281A>T (NM_001204262.2); c.-326A>T (NM_001204263.2); c.-341A>T (NM_001204264.2); short protein forms N125I, N133I, N137I, N196I, N222I.
Identifiers: ClinVar variation 4681117 (VCV004681117.1).

ClinVar aggregate classification (germline): Uncertain significance (1 of 4 stars; one submission).

gnomAD v4.1: 2 of 1,613,782 alleles (0.00012%); highest among the groups gnomAD compares: African/African-American, 0.0027%; no homozygotes.

Submission:

GeneDx
Classification: Uncertain significance. Last evaluated: 2025-07-01. Review status: criteria provided, single submitter. Criteria: GeneDx Variant Classification Process June 2021. Collection method: clinical testing. Allele origin: germline. Affected: yes.
Comment: Not observed at significant frequency in large population cohorts (gnomAD); In silico analysis suggests that this missense variant does not alter protein structure/function; Has not been previously published as pathogenic or benign to our knowledge